The following is an entry in ClinVar:

NM_203290.4(POLR1C):c.806-8C>T

Gene: POLR1C (RNA polymerase I and III subunit C; plus strand). Cytogenetic location: 6p21.1.
Variant type: single nucleotide variant.
Coding change: c.806-8C>T on transcript NM_203290.4 (MANE Select); 8 bases into the intron before coding-DNA position 806, C replaced by T.
Molecular consequence: intron variant.
Genome position (GRCh38, 1-based): chr6:43,520,924, C>T. VCF-style: chr6-43520924-C-T. GRCh37 (hg19) VCF-style: chr6-43488662-C-T.
Other names: c.806-8C>T (NM_001318876.2, NM_001363658.2, NM_203290.3).
Identifiers: ClinVar variation 2181651 (VCV002181651.5), dbSNP rs758724481, ClinGen allele CA3825591.

ClinVar aggregate classification (germline): Likely benign. Review status: criteria provided, multiple submitters, no conflicts (2 of 4 stars). 2 submissions from 2 submitters: Likely benign (2). Last evaluated 2025-04-18.

Conditions:
POLR1C-related disorder. Also called: POLR1C-related disorders; POLR1C-related condition. Identifiers: MedGen CN239394, MONDO:0700278.

Allele frequency attached by ClinVar (database versions not stated): gnomAD exomes 0.00001; ExAC 0.00002; gnomAD 0.00014; TOPMed 0.00018.
gnomAD v4.1: 43 of 1,612,602 alleles (0.0027%); highest among the groups gnomAD compares: African/African-American, 0.045%; no homozygotes.

Submissions (2):

PreventionGenetics, part of Exact Sciences
Classification: Likely benign for POLR1C-related condition. Last evaluated: 2025-04-18. Review status: criteria provided, single submitter. Criteria: ACMG Guidelines, 2015. Collection method: clinical testing. Allele origin: germline.
Comment: This variant is classified as likely benign based on ACMG/AMP sequence variant interpretation guidelines (Richards et al. 2015 PMID: 25741868, with internal and published modifications).

Labcorp Genetics (formerly Invitae), Labcorp
Classification: Likely benign. Last evaluated: 2025-03-13. Review status: criteria provided, single submitter. Criteria: Invitae Variant Classification Sherloc (09022015). Collection method: clinical testing. Allele origin: germline.